The following is an entry in ClinVar:

NM_144670.6(A2ML1):c.4061+3G>A

Gene: A2ML1 (alpha-2-macroglobulin like 1; plus strand). Cytogenetic location: 12p13.31.
Variant type: single nucleotide variant.
Coding change: c.4061+3G>A on transcript NM_144670.6 (MANE Select); 3 bases into the intron after coding-DNA position 4061, G replaced by A.
Molecular consequence: intron variant.
Genome position (GRCh38, 1-based): chr12:8,868,360, G>A. VCF-style: chr12-8868360-G-A. GRCh37 (hg19) VCF-style: chr12-9020956-G-A.
Other names: c.2588+3G>A (NM_001282424.3).
Identifiers: ClinVar variation 2113849 (VCV002113849.4), dbSNP rs375310307, ClinGen allele CA6436566.

ClinVar aggregate classification (germline): Uncertain significance (1 of 4 stars; one submission).

Allele frequency attached by ClinVar (database versions not stated): ExAC 0.00001; TOPMed 0.00002; gnomAD 0.00003; ESP Exome Variant Server 0.00008.
gnomAD v4.1: 5 of 1,610,720 alleles (0.00031%); highest among the groups gnomAD compares: African/African-American, 0.0054%; no homozygotes.

Submission:

Labcorp Genetics (formerly Invitae), Labcorp
Classification: Uncertain significance. Last evaluated: 2025-05-17. Review status: criteria provided, single submitter. Criteria: Invitae Variant Classification Sherloc (09022015). Collection method: clinical testing. Allele origin: germline.
Comment: This sequence change falls in intron 31 of the A2ML1 gene. It does not directly change the encoded amino acid sequence of the A2ML1 protein. It affects a nucleotide within the consensus splice site. This variant is present in population databases (rs375310307, gnomAD 0.008%). This variant has not been reported in the literature in individuals affected with A2ML1-related conditions. ClinVar contains an entry for this variant (Variation ID: 2113849). Variants that disrupt the consensus splice site are a relatively common cause of aberrant splicing (PMID: 17576681, 9536098). Algorithms developed to predict the effect of sequence changes on RNA splicing suggest that this variant is not likely to affect RNA splicing. In summary, the available evidence is currently insufficient to determine the role of this variant in disease. Therefore, it has been classified as a Variant of Uncertain Significance.

Literature cited by the submitters: PubMed 17576681; PubMed 9536098.